The following is an entry in ClinVar:

NM_002900.3(RBP3):c.1187CTT[1] (p.Ser397del)

Gene: RBP3 (retinol binding protein 3; plus strand). Cytogenetic location: 10q11.22.
Variant type: Microsatellite.
Coding change: c.1187CTT[1] on transcript NM_002900.3 (MANE Select); one copy of the 3-base unit CTT starting at c.1187; the reference has two copies in a row; one copy, 3 bases deleted.
Protein change: p.Ser397del; deletes serine 397.
Molecular consequence: inframe deletion.
Genome position (GRCh38, 1-based): chr10:47,349,674-47,349,676, CTT deleted; deleting any 3 consecutive bases within chr10:47,349,671-47,349,676 gives the same sequence; the position shown is the placement nearest the transcript's 3' end. VCF-style (leftmost placement, unchanged base first): chr10-47349670-CCTT-C. GRCh37 (hg19) VCF-style: chr10-48389685-CAAG-C.
Other names: short protein forms S397del.
Identifiers: ClinVar variation 1490710 (VCV001490710.8), dbSNP rs782469548, ClinGen allele CA5487585.

ClinVar aggregate classification (germline): Uncertain significance (1 of 4 stars; one submission).

Submission:

Labcorp Genetics (formerly Invitae), Labcorp
Classification: Uncertain significance. Last evaluated: 2022-08-31. Review status: criteria provided, single submitter. Criteria: Invitae Variant Classification Sherloc (09022015). Collection method: clinical testing. Allele origin: germline.
Comment: In summary, the available evidence is currently insufficient to determine the role of this variant in disease. Therefore, it has been classified as a Variant of Uncertain Significance. Experimental studies and prediction algorithms are not available or were not evaluated, and the functional significance of this variant is currently unknown. This variant has not been reported in the literature in individuals affected with RBP3-related conditions. This variant is present in population databases (rs782469548, gnomAD 0.008%). This variant, c.1190_1192del, results in the deletion of 1 amino acid(s) of the RBP3 protein (p.Ser397del), but otherwise preserves the integrity of the reading frame.